The following is an entry in ClinVar:

ClinVar aggregate classification (germline): Conflicting classifications of pathogenicity. Review status: criteria provided, conflicting classifications (1 of 4 stars). 3 submissions from 3 submitters: Likely pathogenic (1); Uncertain significance (2). Last evaluated 2024-03-11.

Conditions:
Type 2 diabetes mellitus. Also called: Type II diabetes mellitus. Identifiers: MedGen C0011860, MeSH D003924, MONDO:0005148, OMIM 125853, HP:0005978.

Allele frequency attached by ClinVar (database versions not stated): gnomAD exomes below 0.00001; gnomAD 0.00001 and 0.00002; ExAC 0.00002; TOPMed 0.00003; ESP Exome Variant Server 0.00008; 1000 Genomes Project 0.00020; 1000 Genomes Project 30x 0.00031.
gnomAD v4.1: 15 of 1,614,184 alleles (0.00093%); highest among the groups gnomAD compares: Admixed American, 0.013%; no homozygotes.

Submissions (3):

GeneDx
Classification: Uncertain significance. Last evaluated: 2024-03-11. Review status: criteria provided, single submitter. Criteria: GeneDx Variant Classification Process June 2021. Collection method: clinical testing. Allele origin: germline. Affected: yes.
Comment: Not observed at significant frequency in large population cohorts (gnomAD); Nonsense variant predicted to result in protein truncation or nonsense mediated decay in a gene or region of a gene for which loss of function is not a well-established mechanism of disease; This variant is associated with the following publications: (PMID: 32041611, 28870971)

Molecular Genetics and NGS Laboratory, Hospital Fundacion Valle Del Lili
Classification: Likely pathogenic for Type 2 diabetes mellitus. Last evaluated: 2023-11-16. Review status: criteria provided, single submitter. Criteria: ACMG Guidelines, 2015. Collection method: clinical testing. Allele origin: germline. Affected: yes. Observed: 1 variant allele.
Comment: The variant in affected individuals is heterozygous. In summary, the variant meets our criteria to be classified as likely pathogenic.

Labcorp Genetics (formerly Invitae), Labcorp
Classification: Uncertain significance. Last evaluated: 2022-08-31. Review status: criteria provided, single submitter. Criteria: Invitae Variant Classification Sherloc (09022015). Collection method: clinical testing. Allele origin: germline.
Comment: ClinVar contains an entry for this variant (Variation ID: 1445278). This sequence change creates a premature translational stop signal (p.Arg65*) in the LIPC gene. It is expected to result in an absent or disrupted protein product. However, the current clinical and genetic evidence is not sufficient to establish whether loss-of-function variants in LIPC cause disease. This premature translational stop signal has been observed in individual(s) with high HDL-C or dyslipidemia (PMID: 28870971, 32041611). This variant is present in population databases (rs369262181, gnomAD 0.007%). In summary, the available evidence is currently insufficient to determine the role of this variant in disease. Therefore, it has been classified as a Variant of Uncertain Significance.

Literature cited by the submitters: PubMed 28870971 (cited by Labcorp Genetics (formerly Invitae), Labcorp); PubMed 32041611 (cited by Labcorp Genetics (formerly Invitae), Labcorp).

NM_000236.3(LIPC):c.193C>T (p.Arg65Ter)

Gene: LIPC (lipase C, hepatic type; plus strand). Cytogenetic location: 15q21.3.
Variant type: single nucleotide variant.
Coding change: c.193C>T on transcript NM_000236.3 (MANE Select); coding-DNA position 193, C replaced by T.
Protein change: p.Arg65Ter; replaces arginine 65 with a stop codon.
Molecular consequence: nonsense.
Genome position (GRCh38, 1-based): chr15:58,538,437, C>T. VCF-style: chr15-58538437-C-T. GRCh37 (hg19) VCF-style: chr15-58830636-C-T.
Other names: p.Arg65Ter; c.193C>T (NM_000236.2); short protein forms R65*.
Identifiers: ClinVar variation 1445278 (VCV001445278.9), dbSNP rs369262181, ClinGen allele CA7584747.